The following is an entry in ClinVar:

NM_000368.5(TSC1):c.2710A>G (p.Thr904Ala)

Gene: TSC1 (TSC complex subunit 1; minus strand). Cytogenetic location: 9q34.13.
Variant type: single nucleotide variant.
Coding change: c.2710A>G on transcript NM_000368.5 (MANE Select); coding-DNA position 2710, A replaced by G.
Protein change: p.Thr904Ala; replaces threonine 904 with alanine.
Molecular consequence: missense variant.
Genome position (GRCh38, 1-based): chr9:132,897,526, T>C on the plus strand (A>G on the coding strand, the complement: TSC1 is on the minus strand). VCF-style: chr9-132897526-T-C. GRCh37 (hg19) VCF-style: chr9-135772913-T-C.
Other names: c.2707A>G, p.Thr903Ala (NM_001162426.2); c.2557A>G, p.Thr853Ala (NM_001162427.2); c.2347A>G, p.Thr783Ala (NM_001362177.2); short protein forms T904A, T903A, T783A, T853A.
Identifiers: ClinVar variation 466096 (VCV000466096.16), dbSNP rs1554813482, ClinGen allele CA375369387.

ClinVar aggregate classification (germline): Conflicting classifications of pathogenicity. Review status: criteria provided, conflicting classifications (1 of 4 stars). 3 submissions from 3 submitters: Uncertain significance (1); Likely benign (2). Last evaluated 2025-09-12.

Conditions:
Hereditary cancer-predisposing syndrome. Also called: Hereditary neoplastic syndrome; Neoplastic Syndromes, Hereditary; Hereditary Cancer Syndrome; Tumor predisposition. Identifiers: Orphanet 140162, MedGen C0027672, MeSH D009386, MONDO:0015356.
Tuberous sclerosis 1 (TSC1). Identifiers: Orphanet 805, MedGen C1854465, MONDO:0008612, OMIM 191100.

Allele frequency attached by ClinVar (database versions not stated): TOPMed below 0.00001; gnomAD exomes 0.00001.
gnomAD v4.1: 11 of 1,613,300 alleles (0.00068%); highest among the groups gnomAD compares: Middle Eastern, 0.016%; no homozygotes.

Submissions (3):

Ambry Genetics
Classification: Likely benign for Hereditary cancer-predisposing syndrome. Last evaluated: 2025-09-12. Review status: criteria provided, single submitter. Criteria: Ambry Variant Classification Scheme 2023. Collection method: clinical testing. Allele origin: germline.

Labcorp Genetics (formerly Invitae), Labcorp
Classification: Uncertain significance for Tuberous sclerosis 1. Last evaluated: 2025-08-07. Review status: criteria provided, single submitter. Criteria: Invitae Variant Classification Sherloc (09022015). Collection method: clinical testing. Allele origin: germline.
Comment: This sequence change replaces threonine, which is neutral and polar, with alanine, which is neutral and non-polar, at codon 904 of the TSC1 protein (p.Thr904Ala). This variant is not present in population databases (gnomAD no frequency). This variant has not been reported in the literature in individuals affected with TSC1-related conditions. ClinVar contains an entry for this variant (Variation ID: 466096). Invitae Evidence Modeling of protein sequence and biophysical properties (such as structural, functional, and spatial information, amino acid conservation, physicochemical variation, residue mobility, and thermodynamic stability) indicates that this missense variant is not expected to disrupt TSC1 protein function with a negative predictive value of 95%. In summary, the available evidence is currently insufficient to determine the role of this variant in disease. Therefore, it has been classified as a Variant of Uncertain Significance.

Blueprint Genetics
Classification: Likely benign. Last evaluated: 2022-11-05. Review status: criteria provided, single submitter. Criteria: ACMG Guidelines, 2015. Collection method: clinical testing. Allele origin: germline.